The following is an entry in ClinVar:

NM_007194.4(CHEK2):c.1516A>C (p.Thr506Pro)

Gene: CHEK2 (checkpoint kinase 2; minus strand). Cytogenetic location: 22q12.1.
Variant type: single nucleotide variant.
Coding change: c.1516A>C on transcript NM_007194.4 (MANE Select); coding-DNA position 1516, A replaced by C.
Protein change: p.Thr506Pro; replaces threonine 506 with proline.
Molecular consequence: missense variant.
Genome position (GRCh38, 1-based): chr22:28,689,161, T>G on the plus strand (A>C on the coding strand, the complement: CHEK2 is on the minus strand). VCF-style: chr22-28689161-T-G. GRCh37 (hg19) VCF-style: chr22-29085149-T-G.
Other names: c.1429A>C, p.Thr477Pro (NM_145862.3); c.1645A>C, p.Thr549Pro (NM_001005735.3); c.853A>C, p.Thr285Pro (NM_001257387.3); c.1315A>C, p.Thr439Pro (NM_001349956.3); short protein forms T506P, T439P, T285P, T477P, T549P.
Identifiers: ClinVar variation 1476895 (VCV001476895.7), dbSNP rs1555912010, ClinGen allele CA411092364.

ClinVar aggregate classification (germline): Uncertain significance (1 of 4 stars; one submission).

Conditions:
Familial cancer of breast. Also called: hereditary breast carcinoma; BREAST CANCER, FAMILIAL; Hereditary breast cancer. Identifiers: Orphanet 227535, MedGen C0346153, MONDO:0016419, OMIM 114480. Disease mechanism: loss of function.

Submission:

Labcorp Genetics (formerly Invitae), Labcorp
Classification: Uncertain significance for Familial cancer of breast. Last evaluated: 2021-09-22. Review status: criteria provided, single submitter. Criteria: Invitae Variant Classification Sherloc (09022015). Collection method: clinical testing. Allele origin: germline.
Comment: In summary, the available evidence is currently insufficient to determine the role of this variant in disease. Therefore, it has been classified as a Variant of Uncertain Significance. Algorithms developed to predict the effect of missense changes on protein structure and function (SIFT, PolyPhen-2, Align-GVGD) all suggest that this variant is likely to be tolerated. This variant has not been reported in the literature in individuals affected with CHEK2-related conditions. This variant is not present in population databases (ExAC no frequency). This sequence change replaces threonine with proline at codon 506 of the CHEK2 protein (p.Thr506Pro). The threonine residue is weakly conserved and there is a small physicochemical difference between threonine and proline.